The following is an entry in ClinVar:

NM_003235.5(TG):c.1890A>G (p.Gln630=)

Gene: TG (thyroglobulin; plus strand). Cytogenetic location: 8q24.22.
Variant type: single nucleotide variant.
Coding change: c.1890A>G on transcript NM_003235.5 (MANE Select); coding-DNA position 1890, A replaced by G.
Protein change: p.Gln630=; no amino-acid change (glutamine 630 retained).
Molecular consequence: synonymous variant.
Genome position (GRCh38, 1-based): chr8:132,887,262, A>G. VCF-style: chr8-132887262-A-G. GRCh37 (hg19) VCF-style: chr8-133899507-A-G.
Identifiers: ClinVar variation 361919 (VCV000361919.12), dbSNP rs2228590, ClinGen allele CA4883264.

ClinVar aggregate classification (germline): Benign/Likely benign. Review status: criteria provided, multiple submitters, no conflicts (2 of 4 stars). 3 submissions from 3 submitters: Benign (1); Likely benign (2). Last evaluated 2026-01-26.

Conditions:
Iodotyrosyl coupling defect (TDH3). Also called: HYPOTHYROIDISM, CONGENITAL, DUE TO DYSHORMONOGENESIS, 3; THYROID HORMONOGENESIS, GENETIC DEFECT IN, 3. Identifiers: Orphanet 95716, MedGen C0342194, MONDO:0010135, OMIM 274700.

Allele frequency attached by ClinVar (database versions not stated): ExAC 0.00286; gnomAD 0.00831; 1000 Genomes Project 30x 0.00890; 1000 Genomes Project 0.00958; TOPMed 0.00965; ESP Exome Variant Server 0.01115.
gnomAD v4.1: 2,783 of 1,602,684 alleles (0.17%); highest among the groups gnomAD compares: African/African-American, 3%; 45 homozygotes.

Submissions (3):

Labcorp Genetics (formerly Invitae), Labcorp
Classification: Benign. Last evaluated: 2026-01-26. Review status: criteria provided, single submitter. Criteria: Invitae Variant Classification Sherloc (09022015). Collection method: clinical testing. Allele origin: germline.

Illumina Laboratory Services, Illumina
Classification: Likely benign for Iodotyrosyl coupling defect. Last evaluated: 2018-01-13. Review status: criteria provided, single submitter. Criteria: ICSL Variant Classification Criteria 13 December 2019. Collection method: clinical testing. Allele origin: germline.
Comment: This variant was observed in the ICSL laboratory as part of a predisposition screen in an ostensibly healthy population. It had not been previously curated by ICSL or reported in the Human Gene Mutation Database (HGMD: prior to June 1st, 2018), and was therefore a candidate for classification through an automated scoring system. Utilizing variant allele frequency, disease prevalence and penetrance estimates, and inheritance mode, an automated score was calculated to assess if this variant is too frequent to cause the disease. Based on the score and internal cut-off values, a variant classified as likely benign is not then subjected to further curation. The score for this variant resulted in a classification of likely benign for this disease.

Breakthrough Genomics
Classification: Likely benign. Review status: criteria provided, single submitter. Criteria: ACMG Guidelines, 2015. Collection method: not provided. Allele origin: germline. Inheritance: Autosomal recessive inheritance. Affected: yes.